The following is an entry in ClinVar:

NM_003630.3(PEX3):c.1121_*1del (p.Ter374Xaa)

Gene: PEX3 (peroxisomal biogenesis factor 3; plus strand). Cytogenetic location: 6q24.2.
Variant type: Deletion.
Coding change: c.1121_*1del on transcript NM_003630.3 (MANE Select); coding-DNA position 1121 through 1 bases downstream of the stop codon, 3 bases deleted (GAT; older notation c.1121_*1delGAT).
Protein change: p.Ter374Xaa.
Molecular consequence: stop lost.
Genome position (GRCh38, 1-based): chr6:143,489,225-143,489,227, GAT deleted; deleting any 3 consecutive bases within chr6:143,489,223-143,489,227 gives the same sequence; the c. name uses the placement nearest the transcript's 3' end. VCF-style (leftmost placement, unchanged base first): chr6-143489222-AATG-A. GRCh37 (hg19) VCF-style: chr6-143810359-AATG-A.
Identifiers: ClinVar variation 1404628 (VCV001404628.3), dbSNP rs1455823470, ClinGen allele CA820105622.

ClinVar aggregate classification (germline): Uncertain significance (1 of 4 stars; one submission).

Submission:

Labcorp Genetics (formerly Invitae), Labcorp
Classification: Uncertain significance. Last evaluated: 2022-04-07. Review status: criteria provided, single submitter. Criteria: Invitae Variant Classification Sherloc (09022015). Collection method: clinical testing. Allele origin: germline.
Comment: This sequence change disrupts the translational stop signal of the PEX3 mRNA. It is expected to extend the length of the PEX3 protein by 14 additional amino acid residues. This variant is not present in population databases (gnomAD no frequency). This variant has not been reported in the literature in individuals affected with PEX3-related conditions. Experimental studies and prediction algorithms are not available or were not evaluated, and the functional significance of this variant is currently unknown. In summary, the available evidence is currently insufficient to determine the role of this variant in disease. Therefore, it has been classified as a Variant of Uncertain Significance.